The following is an entry in ClinVar:

ClinVar aggregate classification (germline): Uncertain significance. Review status: criteria provided, multiple submitters, no conflicts (2 of 4 stars). 2 submissions from 2 submitters: Uncertain significance (2). Last evaluated 2025-02-06.

Conditions:
PCNT-related disorder. Also called: PCNT-related condition.
Microcephalic osteodysplastic primordial dwarfism type II (MOPD2). Also called: Microcephalic osteodysplastic primordial dwarfism with tooth abnormalities; MOPD II; OSTEODYSPLASTIC PRIMORDIAL DWARFISM, TYPE II. Identifiers: Orphanet 2637, MedGen C0432246, MONDO:0008872, OMIM 210720.

Allele frequency attached by ClinVar (database versions not stated): gnomAD exomes below 0.00001 and 0.00001; ExAC 0.00001; TOPMed 0.00001.
gnomAD v4.1: 6 of 1,613,938 alleles (0.00037%); highest among the groups gnomAD compares: South Asian, 0.0011%; no homozygotes.

Submissions (2):

PreventionGenetics, part of Exact Sciences
Classification: Uncertain significance for PCNT-related condition. Last evaluated: 2025-02-06. Review status: criteria provided, single submitter. Criteria: ACMG Guidelines, 2015. Collection method: clinical testing. Allele origin: germline.
Comment: The PCNT c.4697G>A variant is predicted to result in the amino acid substitution p.Arg1566His. To our knowledge, this variant has not been reported in the literature. This variant is reported in 0.0046% of alleles in individuals of European (Finnish) descent in gnomAD. At this time, the clinical significance of this variant is uncertain due to the absence of conclusive functional and genetic evidence.

Illumina Laboratory Services, Illumina
Classification: Uncertain significance for Microcephalic osteodysplastic primordial dwarfism type II. Last evaluated: 2018-01-13. Review status: criteria provided, single submitter. Criteria: ICSL Variant Classification Criteria 13 December 2019. Collection method: clinical testing. Allele origin: germline.

NM_006031.6(PCNT):c.4697G>A (p.Arg1566His)

Gene: PCNT (pericentrin; plus strand). Cytogenetic location: 21q22.3.
Variant type: single nucleotide variant.
Coding change: c.4697G>A on transcript NM_006031.6 (MANE Select); coding-DNA position 4697, G replaced by A.
Protein change: p.Arg1566His; replaces arginine 1566 with histidine.
Molecular consequence: missense variant.
Genome position (GRCh38, 1-based): chr21:46,399,702, G>A. VCF-style: chr21-46399702-G-A. GRCh37 (hg19) VCF-style: chr21-47819616-G-A.
Other names: c.4343G>A, p.Arg1448His (NM_001315529.2); short protein forms R1448H, R1566H.
Identifiers: ClinVar variation 897442 (VCV000897442.5), dbSNP rs776095839, ClinGen allele CA10079755.
Genomic context (GRCh38, chr21:46,399,702, plus strand): 5'-TGGCTATACAGAAAGAGTCGGCAGATAGACAAGTGTTAATGCAGGAAGAAGAAATTAAAC[G>A]TCTGGAGGAGATGAACATCAACATCAGGAAAAAAGTGGCCCAGCTCCAGGAAGAAGTGGA-3'
Protein context (NP_006022.3, residues 1556-1576): QVLMQEEEIK[Arg1566His]LEEMNINIRK